The following is an entry in ClinVar:

NM_000718.4(CACNA1B):c.6175C>T (p.Arg2059Cys)

Gene: CACNA1B (calcium voltage-gated channel subunit alpha1 B; plus strand). Cytogenetic location: 9q34.3.
Variant type: single nucleotide variant.
Coding change: c.6175C>T on transcript NM_000718.4 (MANE Select); coding-DNA position 6175, C replaced by T.
Protein change: p.Arg2059Cys; replaces arginine 2059 with cysteine.
Molecular consequence: missense variant.
Genome position (GRCh38, 1-based): chr9:138,120,309, C>T. VCF-style: chr9-138120309-C-T. GRCh37 (hg19) VCF-style: chr9-141014761-C-T.
Other names: c.6175C>T, p.Arg2059Cys (NM_001243812.2); c.6175C>T (NM_000718.3); short protein forms R2059C.
Identifiers: ClinVar variation 2155111 (VCV002155111.5), dbSNP rs202190108, ClinGen allele CA5377635.

ClinVar aggregate classification (germline): Uncertain significance. Review status: criteria provided, multiple submitters, no conflicts (2 of 4 stars). 3 submissions from 3 submitters: Uncertain significance (3). Last evaluated 2024-03-26.

Allele frequency attached by ClinVar (database versions not stated): gnomAD 0.00001; gnomAD exomes 0.00002; ExAC 0.00004; 1000 Genomes Project 30x 0.00016.
gnomAD v4.1: 27 of 1,567,118 alleles (0.0017%); highest among the groups gnomAD compares: Middle Eastern, 0.017%; no homozygotes.

Submissions (3):

Blueprint Genetics
Classification: Uncertain significance. Last evaluated: 2024-03-26. Review status: criteria provided, single submitter. Criteria: ACMG Guidelines, 2015. Collection method: clinical testing. Allele origin: germline.

Labcorp Genetics (formerly Invitae), Labcorp
Classification: Uncertain significance. Last evaluated: 2024-02-05. Review status: criteria provided, single submitter. Criteria: Invitae Variant Classification Sherloc (09022015). Collection method: clinical testing. Allele origin: germline.
Comment: This sequence change replaces arginine, which is basic and polar, with cysteine, which is neutral and slightly polar, at codon 2059 of the CACNA1B protein (p.Arg2059Cys). The frequency data for this variant in the population databases is considered unreliable, as metrics indicate poor data quality at this position in the gnomAD database. This variant has not been reported in the literature in individuals affected with CACNA1B-related conditions. ClinVar contains an entry for this variant (Variation ID: 2155111). Advanced modeling of protein sequence and biophysical properties (such as structural, functional, and spatial information, amino acid conservation, physicochemical variation, residue mobility, and thermodynamic stability) performed at Invitae indicates that this missense variant is not expected to disrupt CACNA1B protein function with a negative predictive value of 80%. In summary, the available evidence is currently insufficient to determine the role of this variant in disease. Therefore, it has been classified as a Variant of Uncertain Significance.

Ambry Genetics
Classification: Uncertain significance. Last evaluated: 2021-08-30. Review status: criteria provided, single submitter. Criteria: Ambry Variant Classification Scheme 2023. Collection method: clinical testing. Allele origin: germline.